The following is an entry in ClinVar:

NM_007055.4(POLR3A):c.1572+1297_1572+1304del

Gene: POLR3A (RNA polymerase III subunit A; minus strand). Cytogenetic location: 10q22.3.
Variant type: Deletion.
Coding change: c.1572+1297_1572+1304del on transcript NM_007055.4 (MANE Select); bases 1297 to 1304 of the intron after coding-DNA position 1572, 8 bases deleted (TTACTCTT; older notation c.1572+1297_1572+1304delTTACTCTT).
Molecular consequence: intron variant.
Genome position (GRCh38, 1-based): chr10:78,012,346-78,012,353, AAGAGTAA deleted on the plus strand (TTACTCTT on the coding strand, the reverse complement: POLR3A is on the minus strand); deleting any 8 consecutive bases within chr10:78,012,346-78,012,355 gives the same sequence; the c. name uses the placement nearest the transcript's 3' end. VCF-style (leftmost placement, unchanged base first): chr10-78012345-CAAGAGTAA-C. GRCh37 (hg19) VCF-style: chr10-79772103-CAAGAGTAA-C.
Identifiers: ClinVar variation 2630188 (VCV002630188.1), dbSNP rs761867573, ClinGen allele CA210213614.
Genomic context (GRCh38, chr10:78,012,345, plus strand): 5'-ACCTGGGAGGTAGAGGTTGCAGTGGGCTGAGATCACATCATTGCACTCCAGCCTGGGCAA[CAAGAGTAA>C]AACTCCGTCTCAAACAAACAAACAAAAAAAAAAAGAAAAAGAAAAAGAAAAAAAATCTAA-3'

ClinVar aggregate classification (germline): Uncertain significance (1 of 4 stars; one submission).

Conditions:
POLR3A-related disorder. Also called: POLR3A-related disorders; POLR3A-related condition. Identifiers: MedGen CN378587, MONDO:0700276.

Submission:

PreventionGenetics, part of Exact Sciences
Classification: Uncertain significance for POLR3A-related condition. Last evaluated: 2023-02-14. Review status: criteria provided, single submitter. Criteria: ACMG Guidelines, 2015. Collection method: clinical testing. Allele origin: germline.
Comment: The POLR3A c.1572+1297_1572+1304del8 variant is predicted to result in an intronic deletion. To our knowledge, this variant has not been reported in the literature. This variant is reported in 0.36% of alleles in individuals of Ashkenazi Jewish descent in gnomAD. At this time, the clinical significance of this variant is uncertain due to the absence of conclusive functional and genetic evidence.